The following is an entry in ClinVar:

NM_004521.3(KIF5B):c.762CAA[1] (p.Asn255del)

Gene: KIF5B (kinesin family member 5B; minus strand). Cytogenetic location: 10p11.22.
Variant type: Microsatellite.
Coding change: c.762CAA[1] on transcript NM_004521.3 (MANE Select); one copy of the 3-base unit CAA starting at c.762; the reference has two copies in a row; one copy, 3 bases deleted; also written c.765_767del.
Protein change: p.Asn255del; deletes asparagine 255.
Molecular consequence: inframe deletion.
Genome position (GRCh38, 1-based): chr10:32,035,939-32,035,941, TTG deleted on the plus strand (CAA on the coding strand, the reverse complement: KIF5B is on the minus strand); deleting any 3 consecutive bases within chr10:32,035,939-32,035,944 gives the same sequence; the position shown is the placement nearest the transcript's 3' end. VCF-style (leftmost placement, unchanged base first): chr10-32035938-CTTG-C. GRCh37 (hg19) VCF-style: chr10-32324866-CTTG-C.
Other names: c.765_767del (NM_004521.3); c.765_767delCAA (NM_004521.3); short protein forms N255del.
Identifiers: ClinVar variation 986389 (VCV000986389.34), dbSNP rs1841455410, ClinGen allele CA915940883.
Genomic context (GRCh38, chr10:32,035,938, plus strand): 5'-ATGTATACTCACACTACCCTCAGCCAAAGCAGAAATAACATTTCCAAGAGCAGAAAGTGA[CTTG>C]TTGATGTTTTTAGCTTCATCCAGCACAGCACCTTCAGCTCCAGTTTTACTAACCTATACA-3'

ClinVar aggregate classification (germline): Pathogenic/Likely pathogenic. Review status: criteria provided, multiple submitters, no conflicts (2 of 4 stars). 2 submissions from 2 submitters: Pathogenic (1); Likely pathogenic (1). Last evaluated 2023-02-08.

Conditions:
Primary dilated cardiomyopathy (DCM). Also called: Dilated Cardiomyopathy. Identifiers: Orphanet 217604, MedGen C0007193, MeSH D002311, MONDO:0005021, HP:0001644. Inheritance: Various modes of inheritance.
Skeletal myopathy. Also called: Skeletal muscle disorder; Skeletal muscle disease. Identifiers: Orphanet 98472, MedGen C1533847, MONDO:0020120, HP:0003756.
Ophthalmoplegia. Identifiers: MedGen C0029089, MONDO:0003425, HP:0000602.
Multiple joint contractures. Identifiers: MedGen C0158118, HP:0002828.
Hypertrophic cardiomyopathy. Also called: HYPERTROPHIC MYOCARDIOPATHY. Identifiers: Orphanet 217569, MedGen C0007194, MeSH D002312, MONDO:0005045, HP:0001639.

Submissions (2):

Broad Center for Mendelian Genomics, Broad Institute of MIT and Harvard
Classification: Likely pathogenic for Hypertrophic cardiomyopathy. Last evaluated: 2023-02-08. Review status: criteria provided, single submitter. Criteria: ACMG Guidelines, 2015. Collection method: curation. Allele origin: germline. Inheritance: Autosomal dominant inheritance.
Comment: The heterozygous p.Asn255del variant in KIF5B was identified by our study in three siblings with hypertrophic cardiomyopathy (PMID: 36018820). This variant was absent from large population studies. This variant has also been reported in ClinVar (Variation ID: 986389) and has been interpreted as pathogenic by the Tartaglia Lab, Genetics and Rare Diseases Research Division (Bambino Gesu' Children's Hospital). Animal models in zebrafish have shown that this variant causes phenotypic features consistent with cardiomyopathy, including morphological anomalies in heart size and anatomy and heart edema (PMID: 36018820). This variant is a deletion of 1 amino acid at position 255 and is not predicted to alter the protein reading-frame. This deletion is expected to impact the protein. Although additional studies are required to fully establish its clinical significance, this variant is likely pathogenic for autosomal dominant hypertrophic cardiomyopathy. ACMG/AMP Criteria applied: PS3, PM2_Supporting, PM4_Supporting (Richards 2015).

Tartaglia Lab, Genetics and Rare Diseases Research Division, Bambino Gesu' Children's Hospital
Classification: Pathogenic for Primary dilated cardiomyopathy; Skeletal myopathy; Ophthalmoplegia; Multiple joint contractures. Review status: criteria provided, single submitter. Criteria: ACMG Guidelines, 2015. Collection method: research. Allele origin: paternal. Affected: yes.